The following is an entry in ClinVar:

ClinVar aggregate classification (germline): Conflicting classifications of pathogenicity. Review status: criteria provided, conflicting classifications (1 of 4 stars). 7 submissions from 7 submitters: Uncertain significance (1); Likely benign (5). 1 of the submissions does not count toward it. Last evaluated 2026-01-15.

Conditions:
Epidermolysis bullosa simplex, Ogna type (EBS5A). Also called: Pidermolysis bullosa simplex 5A, Ogna type; EPIDERMOLYSIS BULLOSA SIMPLEX 5A, OGNA TYPE. Identifiers: Orphanet 79401, MedGen C0432317, MONDO:0007555, OMIM 131950.
Autosomal recessive limb-girdle muscular dystrophy type 2Q (LGMDR17). Also called: MUSCULAR DYSTROPHY, LIMB-GIRDLE, AUTOSOMAL RECESSIVE 17. Identifiers: Orphanet 254361, MedGen C3150989, MONDO:0013390, OMIM 613723.
Epidermolysis bullosa simplex 5B, with muscular dystrophy (EBS5B). Also called: Epidermolysis bullosa simplex with muscular dystrophy; EPIDERMOLYSIS BULLOSA SIMPLEX AND LIMB-GIRDLE MUSCULAR DYSTROPHY. Identifiers: Orphanet 257, MedGen C2931072, MONDO:0009181, OMIM 226670.
Epidermolysis bullosa simplex with nail dystrophy (EBS5D). Identifiers: MedGen C4225309, MONDO:0014661, OMIM 616487.
Epidermolysis bullosa simplex 5C, with pyloric atresia (EBS5C). Also called: PLEC-Related Epidermolysis Bullosa with Pyloric Atresia; Epidermolysis bullosa simplex with pyloric atresia; PLEC1-Related Epidermolysis Bullosa with Pyloric Atresia. Identifiers: Orphanet 158684, MedGen C2677349, MONDO:0012807, OMIM 612138.
PLEC-related disorder. Also called: PLEC-related condition; PLEC-related disorders.

Allele frequency attached by ClinVar (database versions not stated): gnomAD 0.00015 and 0.00013; 1000 Genomes Project 30x 0.00016; TOPMed 0.00018; 1000 Genomes Project 0.00020; ESP Exome Variant Server 0.00032; ExAC 0.00015.
gnomAD v4.1: 270 of 1,611,352 alleles (0.017%); highest among the groups gnomAD compares: Non-Finnish European, 0.022%; no homozygotes.

Submissions (7):

Labcorp Genetics (formerly Invitae), Labcorp
Classification: Likely benign for Autosomal recessive limb-girdle muscular dystrophy type 2Q; Epidermolysis bullosa simplex, Ogna type; Epidermolysis bullosa simplex with nail dystrophy; Epidermolysis bullosa simplex 5C, with pyloric atresia; Epidermolysis bullosa simplex 5B, with muscular dystrophy. Last evaluated: 2026-01-15. Review status: criteria provided, single submitter. Criteria: Invitae Variant Classification Sherloc (09022015). Collection method: clinical testing. Allele origin: germline.

Mayo Clinic Laboratories, Mayo Clinic
Classification: Likely benign. Last evaluated: 2025-11-20. Review status: criteria provided, single submitter. Criteria: ACMG Guidelines, 2015. Collection method: clinical testing. Allele origin: germline. Observed: 1 variant allele.
Comment: BP4, BP7

Women's Health and Genetics/Laboratory Corporation of America, LabCorp
Classification: Likely benign. Last evaluated: 2025-09-10. Review status: criteria provided, single submitter. Criteria: LabCorp Variant Classification Summary - May 2015. Collection method: clinical testing. Allele origin: germline.

Blueprint Genetics
Classification: Likely benign. Last evaluated: 2024-03-11. Review status: criteria provided, single submitter. Criteria: ACMG Guidelines, 2015. Collection method: clinical testing. Allele origin: germline.

CeGaT Center for Human Genetics Tuebingen
Classification: Likely benign. Last evaluated: 2021-11-01. Review status: criteria provided, single submitter. Criteria: CeGaT Center For Human Genetics Tuebingen Variant Classification Criteria Version 2. Collection method: clinical testing. Allele origin: germline. Affected: yes. Observed: 1 variant allele.

Eurofins Ntd Llc (ga)
Classification: Uncertain significance. Last evaluated: 2016-12-28. Review status: criteria provided, single submitter. Criteria: EGL Classification Definitions 2015. Collection method: clinical testing. Allele origin: germline. Observed: 4 variant alleles, 4 heterozygotes.

PreventionGenetics, part of Exact Sciences
Classification: Likely benign for PLEC-related condition. Last evaluated: 2019-08-29. Review status: no assertion criteria provided. Collection method: clinical testing. Allele origin: germline. Not counted in ClinVar's aggregate classification.
Comment: This variant is classified as likely benign based on ACMG/AMP sequence variant interpretation guidelines (Richards et al. 2015 PMID: 25741868, with internal and published modifications).

NM_201384.3(PLEC):c.897G>A (p.Thr299=)

Gene: PLEC (plectin; minus strand). Cytogenetic location: 8q24.3.
Variant type: single nucleotide variant.
Coding change: c.897G>A on transcript NM_201384.3 (MANE Select); coding-DNA position 897, G replaced by A.
Protein change: p.Thr299=; no amino-acid change (threonine 299 retained).
Molecular consequence: synonymous variant.
Genome position (GRCh38, 1-based): chr8:143,934,858, C>T on the plus strand (G>A on the coding strand, the complement: PLEC is on the minus strand). VCF-style: chr8-143934858-C-T. GRCh37 (hg19) VCF-style: chr8-145009026-C-T.
Other names: p.Thr326=; c.978G>A, p.Thr326= (NM_000445.5); c.855G>A, p.Thr285= (NM_201378.4); c.831G>A, p.Thr277= (NM_201379.3); c.1308G>A, p.Thr436= (NM_201380.4); c.801G>A, p.Thr267= (NM_201381.3); c.897G>A, p.Thr299= (NM_201382.4); c.909G>A, p.Thr303= (NM_201383.3).
Identifiers: ClinVar variation 471674 (VCV000471674.52), dbSNP rs377035835, ClinGen allele CA4928266.